The following is an entry in ClinVar:

NM_006660.5(CLPX):c.1429C>T (p.Arg477Trp)

Gene: CLPX (caseinolytic mitochondrial matrix peptidase chaperone subunit X; minus strand). Cytogenetic location: 15q22.31.
Variant type: single nucleotide variant.
Coding change: c.1429C>T on transcript NM_006660.5 (MANE Select); coding-DNA position 1429, C replaced by T.
Protein change: p.Arg477Trp; replaces arginine 477 with tryptophan.
Molecular consequence: missense variant. On other transcripts: non-coding transcript variant (1).
Genome position (GRCh38, 1-based): chr15:65,154,964, G>A on the plus strand (C>T on the coding strand, the complement: CLPX is on the minus strand). VCF-style: chr15-65154964-G-A. GRCh37 (hg19) VCF-style: chr15-65447302-G-A.
Other names: short protein forms R477W.
Identifiers: ClinVar variation 2892609 (VCV002892609.3), dbSNP rs771233943, ClinGen allele CA7614643.
Genomic context (GRCh38, chr15:65,154,964, plus strand): 5'-CAAACTCAGGAATCATGCCAAACTCAATCAGATCTCTGGCTTCCACATGACGCAATAACC[G>A]ATCTTTTTCTTCAATGTCTTGGTGAGTATTCGATTCCCCACTTCGATTAGCAAGGTCTGC-3'
Protein context (NP_006651.2, residues 467-487): NTHQDIEEKD[Arg477Trp]LLRHVEARDL

ClinVar aggregate classification (germline): Uncertain significance (1 of 4 stars; one submission).

Allele frequency attached by ClinVar (database versions not stated): ExAC 0.00003.
gnomAD v4.1: 34 of 1,613,914 alleles (0.0021%); highest among the groups gnomAD compares: African/African-American, 0.015%; no homozygotes.

Submission:

Labcorp Genetics (formerly Invitae), Labcorp
Classification: Uncertain significance. Last evaluated: 2023-08-09. Review status: criteria provided, single submitter. Criteria: Invitae Variant Classification Sherloc (09022015). Collection method: clinical testing. Allele origin: germline.
Comment: This sequence change replaces arginine, which is basic and polar, with tryptophan, which is neutral and slightly polar, at codon 477 of the CLPX protein (p.Arg477Trp). This variant is present in population databases (rs771233943, gnomAD 0.01%). This variant has not been reported in the literature in individuals affected with CLPX-related conditions. Advanced modeling of protein sequence and biophysical properties (such as structural, functional, and spatial information, amino acid conservation, physicochemical variation, residue mobility, and thermodynamic stability) performed at Invitae indicates that this missense variant is not expected to disrupt CLPX protein function. In summary, the available evidence is currently insufficient to determine the role of this variant in disease. Therefore, it has been classified as a Variant of Uncertain Significance.